The following is an entry in ClinVar:

NM_198282.4(STING1):c.69G>C (p.Leu23Phe)

Gene: STING1 (stimulator of interferon response cGAMP interactor 1; minus strand). Cytogenetic location: 5q31.2.
Variant type: single nucleotide variant.
Coding change: c.69G>C on transcript NM_198282.4 (MANE Select); coding-DNA position 69, G replaced by C.
Protein change: p.Leu23Phe; replaces leucine 23 with phenylalanine.
Molecular consequence: missense variant. On other transcripts: intron variant (1).
Genome position (GRCh38, 1-based): chr5:139,481,636, C>G on the plus strand (G>C on the coding strand, the complement: STING1 is on the minus strand). VCF-style: chr5-139481636-C-G. GRCh37 (hg19) VCF-style: chr5-138861221-C-G.
Other names: c.69G>C, p.Leu23Phe (NM_001301738.2); c.-130-294G>C (NM_001367258.1); short protein forms L23F.
Identifiers: ClinVar variation 2811344 (VCV002811344.4), dbSNP rs1485740792, ClinGen allele CA361481921.

ClinVar aggregate classification (germline): Uncertain significance. Review status: criteria provided, multiple submitters, no conflicts (2 of 4 stars). 2 submissions from 2 submitters: Uncertain significance (2). Last evaluated 2025-07-16.

Conditions:
STING-associated vasculopathy with onset in infancy. Also called: Sting-associated vasculopathy, infantile-onset. Identifiers: Orphanet 425120, MedGen C4014722, MONDO:0014405, OMIM 615934.

Submissions (2):

Women's Health and Genetics/Laboratory Corporation of America, LabCorp
Classification: Uncertain significance. Last evaluated: 2025-07-16. Review status: criteria provided, single submitter. Criteria: LabCorp Variant Classification Summary - May 2015. Collection method: clinical testing. Allele origin: germline.
Comment: Variant summary: STING1 c.69G>C (p.Leu23Phe) results in a non-conservative amino acid change in the encoded protein sequence. Algorithms developed to predict the effect of missense changes on protein structure and function are either unavailable or do not agree on the potential impact of this missense change. The variant was absent in 1611778 control chromosomes. The available data on variant occurrences in the general population are insufficient to allow any conclusion about variant significance. To our knowledge, no occurrence of c.69G>C in individuals affected with STING-associated vasculopathy with onset in infancy and no experimental evidence demonstrating its impact on protein function have been reported. ClinVar contains an entry for this variant (Variation ID: 2811344). Based on the evidence outlined above, the variant was classified as uncertain significance.

Labcorp Genetics (formerly Invitae), Labcorp
Classification: Uncertain significance for STING-associated vasculopathy with onset in infancy. Last evaluated: 2022-11-24. Review status: criteria provided, single submitter. Criteria: Invitae Variant Classification Sherloc (09022015). Collection method: clinical testing. Allele origin: germline.
Comment: In summary, the available evidence is currently insufficient to determine the role of this variant in disease. Therefore, it has been classified as a Variant of Uncertain Significance. Advanced modeling of protein sequence and biophysical properties (such as structural, functional, and spatial information, amino acid conservation, physicochemical variation, residue mobility, and thermodynamic stability) performed at Invitae indicates that this missense variant is not expected to disrupt TMEM173 protein function. This variant has not been reported in the literature in individuals affected with TMEM173-related conditions. This variant is not present in population databases (gnomAD no frequency). This sequence change replaces leucine, which is neutral and non-polar, with phenylalanine, which is neutral and non-polar, at codon 23 of the TMEM173 protein (p.Leu23Phe).